The following is an entry in ClinVar:

ClinVar aggregate classification (germline): Likely benign. Review status: criteria provided, single submitter (1 of 4 stars). 2 submissions from 2 submitters: Likely benign (1). 1 of the submissions does not count toward it. Last evaluated 2025-11-29.

Conditions:
ITGB4-related disorder. Also called: ITGB4-related condition.

Allele frequency attached by ClinVar (database versions not stated): gnomAD exomes 0.00001; TOPMed 0.00003; ExAC 0.00006; gnomAD 0.00001.
gnomAD v4.1: 24 of 1,612,712 alleles (0.0015%); highest among the groups gnomAD compares: Admixed American, 0.012%; no homozygotes.

Submissions (2):

Labcorp Genetics (formerly Invitae), Labcorp
Classification: Likely benign. Last evaluated: 2025-11-29. Review status: criteria provided, single submitter. Criteria: Invitae Variant Classification Sherloc (09022015). Collection method: clinical testing. Allele origin: germline.

PreventionGenetics, part of Exact Sciences
Classification: Likely benign for ITGB4-related condition. Last evaluated: 2019-07-18. Review status: no assertion criteria provided. Collection method: clinical testing. Allele origin: germline. Not counted in ClinVar's aggregate classification.
Comment: This variant is classified as likely benign based on ACMG/AMP sequence variant interpretation guidelines (Richards et al. 2015 PMID: 25741868, with internal and published modifications).

NM_000213.5(ITGB4):c.4968G>A (p.Ser1656=)

Genes: GALK1 (galactokinase 1; minus strand), ITGB4 (integrin subunit beta 4; plus strand). Cytogenetic location: 17q25.1.
Variant type: single nucleotide variant.
Coding change: c.4968G>A on transcript NM_000213.5 (MANE Select); coding-DNA position 4968, G replaced by A.
Protein change: p.Ser1656=; no amino-acid change (serine 1656 retained).
Molecular consequence: synonymous variant. On other transcripts: intron variant (1).
Genome position (GRCh38, 1-based): chr17:75,756,774, G>A. VCF-style: chr17-75756774-G-A. GRCh37 (hg19) VCF-style: chr17-73752855-G-A.
Other names: c.4917G>A, p.Ser1639= (NM_001005619.2); c.4758G>A, p.Ser1586= (NM_001005731.3, NM_001321123.2); c.4608G>A, p.Ser1536= (NM_001438834.1); c.*22+1260C>T (NM_001381985.1).
Identifiers: ClinVar variation 2886353 (VCV002886353.5), dbSNP rs768794572, ClinGen allele CA8770387.